The following is an entry in ClinVar:

NM_000218.3(KCNQ1):c.1394-234C>T

Genes: KCNQ1 (potassium voltage-gated channel subfamily Q member 1; plus strand), KCNQ1OT1 (KCNQ1 opposite strand/antisense transcript 1; minus strand). Cytogenetic location: 11p15.5.
Variant type: single nucleotide variant.
Coding change: c.1394-234C>T on transcript NM_000218.3 (MANE Select); 234 bases into the intron before coding-DNA position 1394, C replaced by T.
Molecular consequence: intron variant. On other transcripts: non-coding transcript variant (1).
Genome position (GRCh38, 1-based): chr11:2,661,727, C>T. VCF-style: chr11-2661727-C-T. GRCh37 (hg19) VCF-style: chr11-2682957-C-T.
Other names: c.1124-234C>T (NM_001406837.1); c.1298-234C>T (NM_001406836.1); c.854-234C>T (NM_001406838.1); c.1013-234C>T (NM_181798.2).
Identifiers: ClinVar variation 3060447 (VCV003060447.2), dbSNP rs144066217, ClinGen allele CA216170372.

ClinVar aggregate classification (germline): Likely benign (0 of 4 stars; one submission).

Conditions:
KCNQ1-related disorder. Also called: KCNQ1-related condition; KCNQ1-related disorders. Identifiers: MedGen CN239322.

Allele frequency attached by ClinVar (database versions not stated): TOPMed 0.00164; gnomAD exomes 0.00198; 1000 Genomes Project 0.00339; 1000 Genomes Project 30x 0.00359.
gnomAD v4.1: 1,060 of 617,296 alleles (0.17%); highest among the groups gnomAD compares: East Asian, 2.4%; 10 homozygotes.

Submission:

PreventionGenetics, part of Exact Sciences
Classification: Likely benign for KCNQ1-related condition. Last evaluated: 2019-04-10. Review status: no assertion criteria provided. Collection method: clinical testing. Allele origin: germline.
Comment: This variant is classified as likely benign based on ACMG/AMP sequence variant interpretation guidelines (Richards et al. 2015 PMID: 25741868, with internal and published modifications).